The following is an entry in ClinVar:

NM_000553.6(WRN):c.505-1G>A

Gene: WRN (WRN RecQ like helicase; plus strand). Cytogenetic location: 8p12.
Variant type: single nucleotide variant.
Coding change: c.505-1G>A on transcript NM_000553.6 (MANE Select); the canonical splice acceptor site of the intron before coding-DNA position 505, G replaced by A.
Molecular consequence: splice acceptor variant.
Genome position (GRCh38, 1-based): chr8:31,067,032, G>A. VCF-style: chr8-31067032-G-A. GRCh37 (hg19) VCF-style: chr8-30924548-G-A.
Identifiers: ClinVar variation 2824970 (VCV002824970.3), dbSNP rs1415757819, ClinGen allele CA370915781.

ClinVar aggregate classification (germline): Likely pathogenic (1 of 4 stars; one submission).

Conditions:
Werner syndrome (WRN). Identifiers: Orphanet 902, MedGen C0043119, MONDO:0010196, OMIM 277700.

gnomAD v4.1: 1 of 1,613,594 alleles (0.000062%); no homozygotes.

Submission:

Labcorp Genetics (formerly Invitae), Labcorp
Classification: Likely pathogenic for Werner syndrome. Last evaluated: 2023-04-29. Review status: criteria provided, single submitter. Criteria: Invitae Variant Classification Sherloc (09022015). Collection method: clinical testing. Allele origin: germline.
Comment: This variant has not been reported in the literature in individuals affected with WRN-related conditions. In summary, the currently available evidence indicates that the variant is pathogenic, but additional data are needed to prove that conclusively. Therefore, this variant has been classified as Likely Pathogenic. Algorithms developed to predict the effect of sequence changes on RNA splicing suggest that this variant may disrupt the consensus splice site. This variant is present in population databases (no rsID available, gnomAD no frequency). This sequence change affects an acceptor splice site in intron 5 of the WRN gene. It is expected to disrupt RNA splicing. Variants that disrupt the donor or acceptor splice site typically lead to a loss of protein function (PMID: 16199547), and loss-of-function variants in WRN are known to be pathogenic (PMID: 16673358).

Literature cited by the submitters: PubMed 16199547; PubMed 16673358.